The following is an entry in ClinVar:

NM_000191.3(HMGCL):c.89C>T (p.Pro30Leu)

Gene: HMGCL (3-hydroxy-3-methylglutaryl-CoA lyase; minus strand). Cytogenetic location: 1p36.11.
Variant type: single nucleotide variant.
Coding change: c.89C>T on transcript NM_000191.3 (MANE Select); coding-DNA position 89, C replaced by T.
Protein change: p.Pro30Leu; replaces proline 30 with leucine.
Molecular consequence: missense variant.
Genome position (GRCh38, 1-based): chr1:23,820,565, G>A on the plus strand (C>T on the coding strand, the complement: HMGCL is on the minus strand). VCF-style: chr1-23820565-G-A. GRCh37 (hg19) VCF-style: chr1-24147055-G-A.
Other names: c.89C>T, p.Pro30Leu (NM_001166059.2); short protein forms P30L.
Identifiers: ClinVar variation 948671 (VCV000948671.8), dbSNP rs1638700415, ClinGen allele CA339030481.

ClinVar aggregate classification (germline): Uncertain significance. Review status: criteria provided, multiple submitters, no conflicts (2 of 4 stars). 3 submissions from 3 submitters: Uncertain significance (2). 1 of the submissions does not count toward it. Last evaluated 2025-02-22.

Conditions:
Inborn genetic diseases. Identifiers: MedGen C0950123, MeSH D030342.
Long chain 3-hydroxyacyl-CoA dehydrogenase deficiency. Also called: Deficiency of long-chain 3-hydroxyacyl-coenzyme A dehydrogenase; LCHAD Deficiency. Identifiers: Orphanet 5, MedGen C3711645, MONDO:0012173, OMIM 609016.
Deficiency of hydroxymethylglutaryl-CoA lyase (HMGCLD). Also called: HMG-CoA LYASE DEFICIENCY; HMGCL DEFICIENCY; HYDROXYMETHYLGLUTARIC ACIDURIA; Defect in leucine metabolism; 3-hydroxy-3-methylglutaric aciduria. Identifiers: Orphanet 20, MedGen C1533587, MONDO:0009520, OMIM 246450.

Allele frequency attached by ClinVar (database versions not stated): gnomAD exomes below 0.00001; TOPMed 0.00002.
gnomAD v4.1: 1 of 1,613,878 alleles (0.000062%); highest among the groups gnomAD compares: Admixed American, 0.0017%; no homozygotes.

Submissions (3):

Ambry Genetics
Classification: Uncertain significance for Inborn genetic diseases. Last evaluated: 2025-02-22. Review status: criteria provided, single submitter. Criteria: Ambry Variant Classification Scheme 2023. Collection method: clinical testing. Allele origin: germline.

Labcorp Genetics (formerly Invitae), Labcorp
Classification: Uncertain significance for Deficiency of hydroxymethylglutaryl-CoA lyase. Last evaluated: 2023-12-07. Review status: criteria provided, single submitter. Criteria: Invitae Variant Classification Sherloc (09022015). Collection method: clinical testing. Allele origin: germline.
Comment: This sequence change replaces proline, which is neutral and non-polar, with leucine, which is neutral and non-polar, at codon 30 of the HMGCL protein (p.Pro30Leu). This variant is not present in population databases (gnomAD no frequency). This variant has not been reported in the literature in individuals affected with HMGCL-related conditions. ClinVar contains an entry for this variant (Variation ID: 948671). An algorithm developed to predict the effect of missense changes on protein structure and function (PolyPhen-2) suggests that this variant is likely to be disruptive. In summary, the available evidence is currently insufficient to determine the role of this variant in disease. Therefore, it has been classified as a Variant of Uncertain Significance.

Natera, Inc.
Classification: Uncertain significance for Deficiency of long-chain 3-hydroxyacyl-coenzyme A dehydrogenase. Last evaluated: 2021-08-30. Review status: no assertion criteria provided. Collection method: clinical testing. Allele origin: germline. Not counted in ClinVar's aggregate classification.